The following is an entry in ClinVar:

NM_001257359.2(SAMD14):c.469C>G (p.Arg157Gly)

Genes: SAMD14 (sterile alpha motif domain containing 14; minus strand), LOC130061143 (ATAC-STARR-seq lymphoblastoid silent region 8680; plus strand). Cytogenetic location: 17q21.33.
Variant type: single nucleotide variant.
Coding change: c.469C>G on transcript NM_001257359.2 (MANE Select); coding-DNA position 469, C replaced by G.
Protein change: p.Arg157Gly; replaces arginine 157 with glycine.
Molecular consequence: missense variant.
Genome position (GRCh38, 1-based): chr17:50,117,437, G>C on the plus strand (C>G on the coding strand, the complement: SAMD14 is on the minus strand). VCF-style: chr17-50117437-G-C. GRCh37 (hg19) VCF-style: chr17-48194801-G-C.
Other names: c.469C>G, p.Arg157Gly (NM_174920.4); c.469C>G (NM_174920.2); short protein forms R157G.
Identifiers: ClinVar variation 2637256 (VCV002637256.2), dbSNP rs1021281373, ClinGen allele CA291535361.

ClinVar aggregate classification (germline): Uncertain significance. Review status: criteria provided, multiple submitters, no conflicts (2 of 4 stars). 2 submissions from 2 submitters: Uncertain significance (2). Last evaluated 2023-09-26.

Conditions:
SAMD14-related disorder. Also called: SAMD14-related condition.

gnomAD v4.1: 3 of 1,345,304 alleles (0.00022%); highest among the groups gnomAD compares: East Asian, 0.0092%; no homozygotes.

Submissions (2):

Ambry Genetics
Classification: Uncertain significance. Last evaluated: 2023-09-26. Review status: criteria provided, single submitter. Criteria: Ambry Variant Classification Scheme 2023. Collection method: clinical testing. Allele origin: germline.

PreventionGenetics, part of Exact Sciences
Classification: Uncertain significance for SAMD14-related condition. Last evaluated: 2023-01-31. Review status: criteria provided, single submitter. Criteria: ACMG Guidelines, 2015. Collection method: clinical testing. Allele origin: germline.
Comment: The SAMD14 c.469C>G variant is predicted to result in the amino acid substitution p.Arg157Gly. To our knowledge, this variant has not been reported in the literature or in a large population database, indicating this variant is rare. At this time, the clinical significance of this variant is uncertain due to the absence of conclusive functional and genetic evidence.